The following is an entry in ClinVar:

ClinVar aggregate classification (germline): Uncertain significance. Review status: criteria provided, multiple submitters, no conflicts (2 of 4 stars). 4 submissions from 4 submitters: Uncertain significance (4). Last evaluated 2025-07-04.

Conditions:
PGM1-congenital disorder of glycosylation. Also called: CDG It; Congenital disorder of glycosylation type 1t; PHOSPHOGLUCOMUTASE 1 DEFICIENCY; PGM1 DEFICIENCY; GLYCOGEN STORAGE DISEASE XIV; GSD XIV. Identifiers: Orphanet 319646, MedGen C2752015, MONDO:0013968, OMIM 614921.
Inborn genetic diseases. Identifiers: MedGen C0950123, MeSH D030342.

Allele frequency attached by ClinVar (database versions not stated): gnomAD 0.00001; gnomAD exomes 0.00002 and 0.00003; TOPMed 0.00002; ExAC 0.00003.
gnomAD v4.1: 43 of 1,613,984 alleles (0.0027%); highest among the groups gnomAD compares: South Asian, 0.0088%; no homozygotes.

Submissions (4):

Ambry Genetics
Classification: Uncertain significance for Inborn genetic diseases. Last evaluated: 2025-07-04. Review status: criteria provided, single submitter. Criteria: Ambry Variant Classification Scheme 2023. Collection method: clinical testing. Allele origin: germline.

Mayo Clinic Laboratories, Mayo Clinic
Classification: Uncertain significance. Last evaluated: 2024-09-17. Review status: criteria provided, single submitter. Criteria: ACMG Guidelines, 2015. Collection method: clinical testing. Allele origin: germline. Observed: 1 variant allele.
Comment: PM2

Labcorp Genetics (formerly Invitae), Labcorp
Classification: Uncertain significance for PGM1-congenital disorder of glycosylation. Last evaluated: 2019-07-04. Review status: criteria provided, single submitter. Criteria: Invitae Variant Classification Sherloc (09022015). Collection method: clinical testing. Allele origin: germline.
Comment: In summary, the available evidence is currently insufficient to determine the role of this variant in disease. Therefore, it has been classified as a Variant of Uncertain Significance. Algorithms developed to predict the effect of missense changes on protein structure and function are either unavailable or do not agree on the potential impact of this missense change (SIFT: "Deleterious"; PolyPhen-2: "Possibly Damaging"; Align-GVGD: "Class C15"). This variant has not been reported in the literature in individuals with PGM1-related disease. ClinVar contains an entry for this variant (Variation ID: 297879). This variant is present in population databases (rs778199808, ExAC 0.01%). This sequence change replaces arginine with cysteine at codon 329 of the PGM1 protein (p.Arg329Cys). The arginine residue is moderately conserved and there is a large physicochemical difference between arginine and cysteine.

Illumina Laboratory Services, Illumina
Classification: Uncertain significance for PGM1-congenital disorder of glycosylation. Last evaluated: 2018-01-12. Review status: criteria provided, single submitter. Criteria: ICSL Variant Classification Criteria 13 December 2019. Collection method: clinical testing. Allele origin: germline.

NM_002633.3(PGM1):c.985C>T (p.Arg329Cys)

Gene: PGM1 (phosphoglucomutase 1; plus strand). Cytogenetic location: 1p31.3.
Variant type: single nucleotide variant.
Coding change: c.985C>T on transcript NM_002633.3 (MANE Select); coding-DNA position 985, C replaced by T.
Protein change: p.Arg329Cys; replaces arginine 329 with cysteine.
Molecular consequence: missense variant.
Genome position (GRCh38, 1-based): chr1:63,636,345, C>T. VCF-style: chr1-63636345-C-T. GRCh37 (hg19) VCF-style: chr1-64102016-C-T.
Other names: p.Arg329Cys; c.1039C>T, p.Arg347Cys (NM_001172818.1); c.394C>T, p.Arg132Cys (NM_001172819.2); short protein forms R329C, R132C, R347C.
Identifiers: ClinVar variation 297879 (VCV000297879.17), dbSNP rs778199808, ClinGen allele CA889674.
Genomic context (GRCh38, chr1:63,636,345, plus strand): 5'-TCTGTGGCTGTCATTGCTGCCAACATCTTCAGCATTCCGTATTTCCAGCAGACTGGGGTC[C>T]GCGGCTTTGCACGGAGCATGCCCACGAGTGGTGCTCTGGACCGGTAGGTGTCTCCATTCC-3'
Protein context (NP_002624.2, residues 319-339): SIPYFQQTGV[Arg329Cys]GFARSMPTSG